The following is an entry in ClinVar:

ClinVar aggregate classification (germline): Likely benign. Review status: criteria provided, single submitter (1 of 4 stars). 2 submissions from 2 submitters: Likely benign (1). 1 of the submissions does not count toward it. Last evaluated 2026-07-01.

Conditions:
UNC79-related disorder. Also called: UNC79-related condition.

gnomAD v4.1: 6,886 of 1,614,034 alleles (0.43%); highest among the groups gnomAD compares: South Asian, 0.68%; 30 homozygotes.

Submissions (2):

CeGaT Center for Human Genetics Tuebingen
Classification: Likely benign. Last evaluated: 2026-07-01. Review status: criteria provided, single submitter. Criteria: CeGaT Center For Human Genetics Tuebingen Variant Classification Criteria Version 2. Collection method: clinical testing. Allele origin: germline. Affected: yes. Observed: 12 variant alleles.
Comment: UNC79: BP4, BS2

PreventionGenetics, part of Exact Sciences
Classification: Likely benign for UNC79-related condition. Last evaluated: 2024-06-24. Review status: no assertion criteria provided. Collection method: clinical testing. Allele origin: germline. Not counted in ClinVar's aggregate classification.
Comment: This variant is classified as likely benign based on ACMG/AMP sequence variant interpretation guidelines (Richards et al. 2015 PMID: 25741868, with internal and published modifications).

NM_001395159.1(UNC79):c.4903G>A (p.Glu1635Lys)

Gene: UNC79 (unc-79 subunit of NALCN channel complex; plus strand). Cytogenetic location: 14q32.12.
Variant type: single nucleotide variant.
Coding change: c.4903G>A on transcript NM_001395159.1 (MANE Select); coding-DNA position 4903, G replaced by A.
Protein change: p.Glu1635Lys; replaces glutamic acid 1635 with lysine.
Molecular consequence: missense variant.
Genome position (GRCh38, 1-based): chr14:93,621,920, G>A. VCF-style: chr14-93621920-G-A. GRCh37 (hg19) VCF-style: chr14-94088266-G-A.
Other names: c.4837G>A, p.Glu1613Lys (NM_001346218.2); c.4156G>A, p.Glu1386Lys (NM_020818.5); short protein forms E1386K, E1613K, E1635K.
Identifiers: ClinVar variation 3351750 (VCV003351750.8).
Genomic context (GRCh38, chr14:93,621,920, plus strand): 5'-AACGACCCTGGACGTTCTAGACAGAACTCTGCTACGAGGCCTGACAATAGTGAAATCCCC[G>A]AGAACCCAGCTATGGAAGGGTTTCCAGATGCTCGAAGGCCTGTCATACCAGAGGTTAGGT-3'
Protein context (NP_001382088.1, residues 1625-1645): ATRPDNSEIP[Glu1635Lys]NPAMEGFPDA